The following is an entry in ClinVar:

ClinVar aggregate classification (germline): Uncertain significance (1 of 4 stars; one submission).

Conditions:
Benign concentric annular macular dystrophy. Identifiers: Orphanet 251287, MedGen C5561925, MONDO:0007934, OMIM 153870.

Submission:

3billion
Classification: Uncertain significance for Benign concentric annular macular dystrophy. Last evaluated: 2025-05-08. Review status: criteria provided, single submitter. Criteria: ACMG Guidelines, 2015. Collection method: clinical testing. Allele origin: germline. Affected: yes.
Comment: The variant is not observed in the gnomAD v4.1.0 dataset. Predicted Consequence/Location: Missense variant. The majority of the known disease-causing variants of this gene are variants expected to result in premature termination of the protein. In silico tool predictions suggest damaging effect of the variant on gene or gene product [REVEL: 0.70 (>=0.6, sensitivity 0.68 and specificity 0.92); 3Cnet: 0.97 (> 0.75, sensitivity 0.96 and precision 0.92)]. Therefore, this variant is classified as VUS according to the recommendation of ACMG/AMP guideline.

NM_001563.4(IMPG1):c.1858T>C (p.Phe620Leu)

Gene: IMPG1 (interphotoreceptor matrix proteoglycan 1; minus strand). Cytogenetic location: 6q14.1.
Variant type: single nucleotide variant.
Coding change: c.1858T>C on transcript NM_001563.4 (MANE Select); coding-DNA position 1858, T replaced by C.
Protein change: p.Phe620Leu; replaces phenylalanine 620 with leucine.
Molecular consequence: missense variant.
Genome position (GRCh38, 1-based): chr6:75,947,500, A>G on the plus strand (T>C on the coding strand, the complement: IMPG1 is on the minus strand). VCF-style: chr6-75947500-A-G. GRCh37 (hg19) VCF-style: chr6-76657217-A-G.
Other names: c.1624T>C, p.Phe542Leu (NM_001282368.2); short protein forms F542L, F620L.
Identifiers: ClinVar variation 4855245 (VCV004855245.1).